The following is an entry in ClinVar:

ClinVar aggregate classification (germline): Uncertain significance (1 of 4 stars; one submission).

Conditions:
Duchenne muscular dystrophy (DMD). Also called: MUSCULAR DYSTROPHY, PSEUDOHYPERTROPHIC PROGRESSIVE, DUCHENNE TYPE; Duchenne Muscular Dystrophy (DMD). Identifiers: Orphanet 98896, MedGen C0013264, MONDO:0010679, OMIM 310200.

Allele frequency attached by ClinVar (database versions not stated): gnomAD exomes below 0.00001 and 0.00001; ExAC 0.00001.
gnomAD v4.1: 1 of 1,211,617 alleles (0.000083%); highest among the groups gnomAD compares: Admixed American, 0.0022%; no homozygotes.

Submission:

Labcorp Genetics (formerly Invitae), Labcorp
Classification: Uncertain significance for Duchenne muscular dystrophy. Last evaluated: 2021-11-10. Review status: criteria provided, single submitter. Criteria: Invitae Variant Classification Sherloc (09022015). Collection method: clinical testing. Allele origin: germline.
Comment: In summary, the available evidence is currently insufficient to determine the role of this variant in disease. Therefore, it has been classified as a Variant of Uncertain Significance. Algorithms developed to predict the effect of missense changes on protein structure and function (SIFT, PolyPhen-2, Align-GVGD) all suggest that this variant is likely to be tolerated. This sequence change replaces asparagine, which is neutral and polar, with aspartic acid, which is acidic and polar, at codon 126 of the DMD protein (p.Asn126Asp). This variant is present in population databases (rs756725662, gnomAD 0.004%), including at least one homozygous and/or hemizygous individual. This variant has not been reported in the literature in individuals affected with DMD-related conditions.

NM_004006.3(DMD):c.376A>G (p.Asn126Asp)

Gene: DMD (dystrophin; minus strand). Cytogenetic location: Xp21.1.
Variant type: single nucleotide variant.
Coding change: c.376A>G on transcript NM_004006.3 (MANE Select); coding-DNA position 376, A replaced by G.
Protein change: p.Asn126Asp; replaces asparagine 126 with aspartic acid.
Molecular consequence: missense variant.
Genome position (GRCh38, 1-based): chrX:32,816,622, T>C on the plus strand (A>G on the coding strand, the complement: DMD is on the minus strand). VCF-style: chrX-32816622-T-C. GRCh37 (hg19) VCF-style: chrX-32834739-T-C.
Other names: c.352A>G, p.Asn118Asp (NM_000109.4); c.364A>G, p.Asn122Asp (NM_004009.3); c.7A>G, p.Asn3Asp (NM_004010.3); short protein forms N3D, N126D, N118D, N122D.
Identifiers: ClinVar variation 1380374 (VCV001380374.6), dbSNP rs756725662, ClinGen allele CA10380169.